The following is an entry in ClinVar:

NM_198576.4(AGRN):c.3514A>G (p.Thr1172Ala)

Gene: AGRN (agrin; plus strand). Cytogenetic location: 1p36.33.
Variant type: single nucleotide variant.
Coding change: c.3514A>G on transcript NM_198576.4 (MANE Select); coding-DNA position 3514, A replaced by G.
Protein change: p.Thr1172Ala; replaces threonine 1172 with alanine.
Molecular consequence: missense variant.
Genome position (GRCh38, 1-based): chr1:1,047,452, A>G. VCF-style: chr1-1047452-A-G. GRCh37 (hg19) VCF-style: chr1-982832-A-G.
Other names: c.3514A>G, p.Thr1172Ala (NM_001305275.2); c.3199A>G, p.Thr1067Ala (NM_001364727.2); short protein forms T1067A, T1172A.
Identifiers: ClinVar variation 3684081 (VCV003684081.2).
Genomic context (GRCh38, chr1:1,047,452, plus strand): 5'-CCCGAGATGGCTGACCCCAAGTCAGAACTGTTCGGGGAGACAGCCAGGAGCATTGAGAGC[A>G]CCGTAAGACGGGGGCGCAGCCCCCACCTACCCACTGGCCTTCCTCCCCAGATACCCAGAG-3'
Protein context (NP_940978.2, residues 1162-1182): FGETARSIES[Thr1172Ala]LDDLFRNSDV

ClinVar aggregate classification (germline): Uncertain significance (1 of 4 stars; one submission).

Conditions:
Congenital myasthenic syndrome 8. Also called: MYASTHENIC SYNDROME, CONGENITAL, DUE TO AGRIN DEFICIENCY; Myasthenic syndrome, congenital, 8, with pre- and postsynaptic defects. Identifiers: Orphanet 590, MedGen C3808739, MONDO:0014052, OMIM 615120.

gnomAD v4.1: 3 of 1,612,700 alleles (0.00019%); highest among the groups gnomAD compares: Non-Finnish European, 0.00025%; no homozygotes.

Submission:

Labcorp Genetics (formerly Invitae), Labcorp
Classification: Uncertain significance for Congenital myasthenic syndrome 8. Last evaluated: 2024-04-10. Review status: criteria provided, single submitter. Criteria: Invitae Variant Classification Sherloc (09022015). Collection method: clinical testing. Allele origin: germline.
Comment: This sequence change replaces threonine, which is neutral and polar, with alanine, which is neutral and non-polar, at codon 1172 of the AGRN protein (p.Thr1172Ala). This variant is not present in population databases (gnomAD no frequency). This variant has not been reported in the literature in individuals affected with AGRN-related conditions. Algorithms developed to predict the effect of missense changes on protein structure and function output the following: SIFT: "Not Available"; PolyPhen-2: "Benign"; Align-GVGD: "Not Available". The alanine amino acid residue is found in multiple mammalian species, which suggests that this missense change does not adversely affect protein function. In summary, the available evidence is currently insufficient to determine the role of this variant in disease. Therefore, it has been classified as a Variant of Uncertain Significance.